The following is an entry in ClinVar:

NM_016333.4(SRRM2):c.6778C>T (p.Arg2260Ter)

Gene: SRRM2 (serine/arginine repetitive matrix 2; plus strand). Cytogenetic location: 16p13.3.
Variant type: single nucleotide variant.
Coding change: c.6778C>T on transcript NM_016333.4 (MANE Select); coding-DNA position 6778, C replaced by T.
Protein change: p.Arg2260Ter; replaces arginine 2260 with a stop codon.
Molecular consequence: nonsense.
Genome position (GRCh38, 1-based): chr16:2,767,306, C>T. VCF-style: chr16-2767306-C-T. GRCh37 (hg19) VCF-style: chr16-2817307-C-T.
Other names: short protein forms R2260*.
Identifiers: ClinVar variation 4983153 (VCV004983153.1).

ClinVar aggregate classification (germline): Likely pathogenic (1 of 4 stars; one submission).

Conditions:
SRRM2-related disorder. Also called: SRRM2-related condition.

gnomAD v4.1: 1 of 1,613,978 alleles (0.000062%); highest among the groups gnomAD compares: Non-Finnish European, 0.000085%; no homozygotes.

Submission:

PreventionGenetics, part of Exact Sciences
Classification: Likely pathogenic for SRRM2-related condition. Last evaluated: 2025-12-01. Review status: criteria provided, single submitter. Criteria: ACMG Guidelines, 2015. Collection method: clinical testing. Allele origin: germline.
Comment: The SRRM2 c.6778C>T variant is predicted to result in premature protein termination (p.Arg2260*). To our knowledge, this variant has not been reported in the literature or in a large population database (gnomAD), indicating this variant is rare. Nonsense variants in SRRM2 are expected to be pathogenic. This variant is interpreted as likely pathogenic.